The following is an entry in ClinVar:

ClinVar aggregate classification (germline): Uncertain significance (1 of 4 stars; one submission).

Submission:

Labcorp Genetics (formerly Invitae), Labcorp
Classification: Uncertain significance. Last evaluated: 2022-09-08. Review status: criteria provided, single submitter. Criteria: Invitae Variant Classification Sherloc (09022015). Collection method: clinical testing. Allele origin: germline.
Comment: In summary, the available evidence is currently insufficient to determine the role of this variant in disease. Therefore, it has been classified as a Variant of Uncertain Significance. Advanced modeling of protein sequence and biophysical properties (such as structural, functional, and spatial information, amino acid conservation, physicochemical variation, residue mobility, and thermodynamic stability) performed at Invitae indicates that this missense variant is not expected to disrupt RHOBTB2 protein function. This variant has not been reported in the literature in individuals affected with RHOBTB2-related conditions. This variant is not present in population databases (gnomAD no frequency). This sequence change replaces phenylalanine, which is neutral and non-polar, with leucine, which is neutral and non-polar, at codon 448 of the RHOBTB2 protein (p.Phe448Leu).

NM_015178.3(RHOBTB2):c.1278C>G (p.Phe426Leu)

Gene: RHOBTB2 (Rho related BTB domain containing 2; plus strand). Cytogenetic location: 8p21.3.
Variant type: single nucleotide variant.
Coding change: c.1278C>G on transcript NM_015178.3 (MANE Select); coding-DNA position 1278, C replaced by G.
Protein change: p.Phe426Leu; replaces phenylalanine 426 with leucine.
Molecular consequence: missense variant.
Genome position (GRCh38, 1-based): chr8:23,007,523, C>G. VCF-style: chr8-23007523-C-G. GRCh37 (hg19) VCF-style: chr8-22865036-C-G.
Other names: c.1344C>G, p.Phe448Leu (NM_001160036.2); c.1299C>G, p.Phe433Leu (NM_001160037.2); c.1278C>G, p.Phe426Leu (NM_001374791.1); short protein forms F426L, F433L, F448L.
Identifiers: ClinVar variation 1717876 (VCV001717876.5), dbSNP rs2487013226, ClinGen allele CA370568059.